The following is an entry in ClinVar:

NM_001367624.2(ZNF469):c.3560G>C (p.Gly1187Ala)

Gene: ZNF469 (zinc finger protein 469; plus strand). Cytogenetic location: 16q24.2.
Variant type: single nucleotide variant.
Coding change: c.3560G>C on transcript NM_001367624.2 (MANE Select); coding-DNA position 3560, G replaced by C.
Protein change: p.Gly1187Ala; replaces glycine 1187 with alanine.
Molecular consequence: missense variant.
Genome position (GRCh38, 1-based): chr16:88,431,030, G>C. VCF-style: chr16-88431030-G-C. GRCh37 (hg19) VCF-style: chr16-88497438-G-C.
Other names: short protein forms G1187A.
Identifiers: ClinVar variation 1395778 (VCV001395778.6), dbSNP rs2142304356, ClinGen allele CA397085073.

ClinVar aggregate classification (germline): Uncertain significance (1 of 4 stars; one submission).

Submission:

Labcorp Genetics (formerly Invitae), Labcorp
Classification: Uncertain significance. Last evaluated: 2021-11-30. Review status: criteria provided, single submitter. Criteria: Invitae Variant Classification Sherloc (09022015). Collection method: clinical testing. Allele origin: germline.
Comment: This sequence change replaces glycine, which is neutral and non-polar, with alanine, which is neutral and non-polar, at codon 1159 of the ZNF469 protein (p.Gly1159Ala). This variant is not present in population databases (gnomAD no frequency). This variant has not been reported in the literature in individuals affected with ZNF469-related conditions. Algorithms developed to predict the effect of missense changes on protein structure and function (SIFT, PolyPhen-2, Align-GVGD) all suggest that this variant is likely to be tolerated. In summary, the available evidence is currently insufficient to determine the role of this variant in disease. Therefore, it has been classified as a Variant of Uncertain Significance.